The following is an entry in ClinVar:

ClinVar aggregate classification (germline): Uncertain significance (1 of 4 stars; one submission).

gnomAD v4.1: 8 of 1,613,896 alleles (0.0005%); highest among the groups gnomAD compares: East Asian, 0.0022%; no homozygotes.

Submission:

GeneDx
Classification: Uncertain significance. Last evaluated: 2024-08-15. Review status: criteria provided, single submitter. Criteria: GeneDx Variant Classification Process June 2021. Collection method: clinical testing. Allele origin: germline. Affected: yes.
Comment: Identified in a patient with features consistent with non-classic CdlS, but it is unknown whether this individual was screened for variants in other genes associated with CdlS (PMID: 34717699); In silico analysis supports that this missense variant has a deleterious effect on protein structure/function; This variant is associated with the following publications: (PMID: 34717699)

NM_133433.4(NIPBL):c.7736C>T (p.Ala2579Val)

Gene: NIPBL (NIPBL cohesin loading factor; plus strand). Cytogenetic location: 5p13.2.
Variant type: single nucleotide variant.
Coding change: c.7736C>T on transcript NM_133433.4 (MANE Select); coding-DNA position 7736, C replaced by T.
Protein change: p.Ala2579Val; replaces alanine 2579 with valine.
Molecular consequence: missense variant.
Genome position (GRCh38, 1-based): chr5:37,060,894, C>T. VCF-style: chr5-37060894-C-T. GRCh37 (hg19) VCF-style: chr5-37060996-C-T.
Other names: c.7736C>T, p.Ala2579Val (NM_015384.5); short protein forms A2579V.
Identifiers: ClinVar variation 3764192 (VCV003764192.1).
Genomic context (GRCh38, chr5:37,060,894, plus strand): 5'-CCCAAAACAGTAAAATTCAGAAGTACTCTCCATCTGAATCTGCAAAAGTATATGATAAAG[C>T]GATAAACCGAAAAACAGGAGTTCATTTTCATCCAAAACAAACACTGGACTTCCTGCGGAG-3'
Protein context (NP_597677.2, residues 2569-2589): PSESAKVYDK[Ala2579Val]INRKTGVHFH